The following is an entry in ClinVar:

ClinVar aggregate classification (germline): Uncertain significance. Review status: criteria provided, multiple submitters, no conflicts (2 of 4 stars). 2 submissions from 2 submitters: Uncertain significance (2). Last evaluated 2025-06-28.

Conditions:
Hereditary cancer-predisposing syndrome. Also called: Hereditary neoplastic syndrome; Tumor predisposition; Neoplastic Syndromes, Hereditary; Hereditary Cancer Syndrome. Identifiers: Orphanet 140162, MedGen C0027672, MeSH D009386, MONDO:0015356.

Allele frequency attached by ClinVar (database versions not stated): gnomAD exomes below 0.00001; TOPMed below 0.00001.
gnomAD v4.1: 1 of 1,605,492 alleles (0.000062%); no homozygotes.

Submissions (2):

Ambry Genetics
Classification: Uncertain significance for Hereditary cancer-predisposing syndrome. Last evaluated: 2025-06-28. Review status: criteria provided, single submitter. Criteria: Ambry Variant Classification Scheme 2023. Collection method: clinical testing. Allele origin: germline.
Comment: The p.E274G variant (also known as c.821A>G), located in coding exon 3 of the XRCC2 gene, results from an A to G substitution at nucleotide position 821. The glutamic acid at codon 274 is replaced by glycine, an amino acid with similar properties. This amino acid position is highly conserved in available vertebrate species. In addition, the in silico prediction for this alteration is inconclusive. Since supporting evidence is limited at this time, the clinical significance of this alteration remains unclear.

GeneDx
Classification: Uncertain significance. Last evaluated: 2015-08-22. Review status: criteria provided, single submitter. Criteria: GeneDx Variant Classification (06012015). Collection method: clinical testing. Allele origin: germline. Affected: yes.
Comment: This variant is denoted XRCC2 c.821A>G at the cDNA level, p.Glu274Gly (E274G) at the protein level, and results in the change of a Glutamic Acid to a Glycine (GAA>GGA). This variant has not, to our knowledge, been published in the literature as pathogenic or benign. XRCC2 Glu274Gly was not observed in approximately 6,500 individuals of European and African American ancestry in the NHLBI Exome Sequencing Project, indicating it is not a common benign variant in these populations. Since Glutamic Acid and Glycine differ in polarity, charge, size or other properties, this is considered a non-conservative amino acid substitution. XRCC2 Glu274Gly occurs at a position that is conserved across species and is not located in a known functional domain (Miller 2004). In silico analyses predict that this variant is probably damaging to protein structure and function. Based on currently available information, it is unclear whether XRCC2 Glu274Gly is pathogenic or benign. We consider it to be a variant of uncertain significance.

NM_005431.2(XRCC2):c.821A>G (p.Glu274Gly)

Gene: XRCC2 (X-ray repair cross complementing 2; minus strand). Cytogenetic location: 7q36.1.
Variant type: single nucleotide variant.
Coding change: c.821A>G on transcript NM_005431.2 (MANE Select); coding-DNA position 821, A replaced by G.
Protein change: p.Glu274Gly; replaces glutamic acid 274 with glycine.
Molecular consequence: missense variant.
Genome position (GRCh38, 1-based): chr7:152,648,664, T>C on the plus strand (A>G on the coding strand, the complement: XRCC2 is on the minus strand). VCF-style: chr7-152648664-T-C. GRCh37 (hg19) VCF-style: chr7-152345749-T-C.
Other names: short protein forms E274G.
Identifiers: ClinVar variation 419716 (VCV000419716.6), dbSNP rs1064794061, ClinGen allele CA16618423.